The following is an entry in ClinVar:

NM_018062.4(FANCL):c.884G>A (p.Arg295His)

Gene: FANCL (FA complementation group L; minus strand). Cytogenetic location: 2p16.1.
Variant type: single nucleotide variant.
Coding change: c.884G>A on transcript NM_018062.4 (MANE Select); coding-DNA position 884, G replaced by A.
Protein change: p.Arg295His; replaces arginine 295 with histidine.
Molecular consequence: missense variant.
Genome position (GRCh38, 1-based): chr2:58,162,885, C>T on the plus strand (G>A on the coding strand, the complement: FANCL is on the minus strand). VCF-style: chr2-58162885-C-T. GRCh37 (hg19) VCF-style: chr2-58390020-C-T.
Other names: c.899G>A, p.Arg300His (NM_001114636.2); c.929G>A, p.Arg310His (NM_001374615.1); c.944G>A, p.Arg315His (NM_001410792.1); short protein forms R295H, R300H, R310H, R315H.
Identifiers: ClinVar variation 216702 (VCV000216702.8), dbSNP rs375526911, ClinGen allele CA336665.
Genomic context (GRCh38, chr2:58,162,885, plus strand): 5'-TGCAATACTGTCTGGAATATCAAAACACTGATAAAACTTACAGATTTTTCCAGGATAGCA[C>T]GAGCTGGAAAATCAATTTCTAAAACATCTTTCAAATTTTGTAACACACTATTTTCTGGAT-3'
Protein context (NP_060532.2, residues 285-305): KDVLEIDFPA[Arg295His]AILEKSDFTM

ClinVar aggregate classification (germline): Uncertain significance. Review status: criteria provided, multiple submitters, no conflicts (2 of 4 stars). 2 submissions from 2 submitters: Uncertain significance (2). Last evaluated 2021-11-26.

Conditions:
Fanconi anemia (FA). Also called: Fanconi's anemia. Identifiers: Orphanet 84, MedGen C0015625, MeSH D005199, MONDO:0019391.
Fanconi anemia complementation group L (FANCL). Also called: FANCL-Related Fanconi Anemia. Identifiers: Orphanet 84, MedGen C3469528, MONDO:0013566, OMIM 614083.

Allele frequency attached by ClinVar (database versions not stated): gnomAD 0.00001 and 0.00003; TOPMed 0.00003; gnomAD exomes 0.00010; ExAC 0.00012.
gnomAD v4.1: 75 of 1,612,062 alleles (0.0047%); highest among the groups gnomAD compares: South Asian, 0.072%; no homozygotes.

Submissions (2):

Fulgent Genetics
Classification: Uncertain significance for Fanconi anemia complementation group L. Last evaluated: 2021-11-26. Review status: criteria provided, single submitter. Criteria: ACMG Guidelines, 2015. Collection method: clinical testing. Allele origin: unknown.

Labcorp Genetics (formerly Invitae), Labcorp
Classification: Uncertain significance for Fanconi anemia. Last evaluated: 2021-08-28. Review status: criteria provided, single submitter. Criteria: Invitae Variant Classification Sherloc (09022015). Collection method: clinical testing. Allele origin: germline.
Comment: This sequence change replaces arginine with histidine at codon 295 of the FANCL protein (p.Arg295His). The arginine residue is moderately conserved and there is a small physicochemical difference between arginine and histidine. This variant is present in population databases (rs375526911, ExAC 0.08%). This variant has not been reported in the literature in individuals affected with FANCL-related conditions. Algorithms developed to predict the effect of missense changes on protein structure and function (SIFT, PolyPhen-2, Align-GVGD) all suggest that this variant is likely to be tolerated. In summary, the available evidence is currently insufficient to determine the role of this variant in disease. Therefore, it has been classified as a Variant of Uncertain Significance.